The following is an entry in ClinVar:

NM_004387.4(NKX2-5):c.199C>G (p.Pro67Ala)

Gene: NKX2-5 (NK2 homeobox 5; minus strand). Cytogenetic location: 5q35.1.
Variant type: single nucleotide variant.
Coding change: c.199C>G on transcript NM_004387.4 (MANE Select); coding-DNA position 199, C replaced by G.
Protein change: p.Pro67Ala; replaces proline 67 with alanine.
Molecular consequence: missense variant.
Genome position (GRCh38, 1-based): chr5:173,234,885, G>C on the plus strand (C>G on the coding strand, the complement: NKX2-5 is on the minus strand). VCF-style: chr5-173234885-G-C. GRCh37 (hg19) VCF-style: chr5-172661888-G-C.
Other names: c.199C>G, p.Pro67Ala (NM_001166175.2, NM_001166176.2); short protein forms P67A.
Identifiers: ClinVar variation 2586646 (VCV002586646.2), dbSNP rs2480079901, ClinGen allele CA362163495.
Genomic context (GRCh38, chr5:173,234,885, plus strand): 5'-GAAAGGCAGACGCACACTTGGCCGGTGAAGGCGCGCGGCCCAGCTCTGCGCGCAGCTCTG[G>C]GAGGCCCGGCGCAGCCGCCTCGGGCCCAGCGTAGGCCTCTGGCTTGAAGGCGGCCAGCAT-3'
Protein context (NP_004378.1, residues 57-77): AGPEAAAPGL[Pro67Ala]ELRAELGRAP

ClinVar aggregate classification (germline): Uncertain significance (1 of 4 stars; one submission).

Conditions:
Cardiovascular phenotype. Identifiers: MedGen CN230736.

Submission:

Ambry Genetics
Classification: Uncertain significance for Cardiovascular phenotype. Last evaluated: 2023-09-18. Review status: criteria provided, single submitter. Criteria: Ambry Variant Classification Scheme 2023. Collection method: clinical testing. Allele origin: germline.
Comment: The p.P67A variant (also known as c.199C>G), located in coding exon 1 of the NKX2-5 gene, results from a C to G substitution at nucleotide position 199. The proline at codon 67 is replaced by alanine, an amino acid with highly similar properties. This amino acid position is not well conserved in available vertebrate species. In addition, this alteration is predicted to be tolerated by in silico analysis. Since supporting evidence is limited at this time, the clinical significance of this alteration remains unclear.